The following is an entry in ClinVar:

ClinVar aggregate classification (germline): Uncertain significance. Review status: criteria provided, multiple submitters, no conflicts (2 of 4 stars). 8 submissions from 8 submitters: Uncertain significance (8). Last evaluated 2025-03-10.

Conditions:
Inborn genetic diseases. Identifiers: MedGen C0950123, MeSH D030342.
Junctional epidermolysis bullosa with pyloric atresia. Also called: Epidermolysis bullosa, junctional, with pyloric atresia and aplasia cutis congenita; Epidermolysis bullosa junctionalis with pyloric atresia; APLASIA CUTIS CONGENITA WITH GASTROINTESTINAL ATRESIA; CARMI SYNDROME; EB-PA-ACC; Junctional Epidermolysis Bullosa- Pyloric Atresia Syndrome. Identifiers: Orphanet 79403, MedGen C5676875, MONDO:0009183, OMIM 226730.
Epidermolysis bullosa, junctional 6, with pyloric atresia. Also called: ITGA6-Related Epidermolysis Bullosa with Pyloric Atresia. Identifiers: MedGen C5676957, MONDO:0859233, OMIM 619817.

Allele frequency attached by ClinVar (database versions not stated): gnomAD 0.00009 and 0.00011; gnomAD exomes 0.00013 and 0.00015; ExAC 0.00019; 1000 Genomes Project 0.00020; TOPMed 0.00014; ESP Exome Variant Server 0.00015; 1000 Genomes Project 30x 0.00016.
gnomAD v4.1: 234 of 1,591,886 alleles (0.015%); highest among the groups gnomAD compares: Middle Eastern, 0.58%; 1 homozygote.

Submissions (8):

GeneDx
Classification: Uncertain significance. Last evaluated: 2025-03-10. Review status: criteria provided, single submitter. Criteria: GeneDx Variant Classification Process June 2021. Collection method: clinical testing. Allele origin: germline. Affected: yes.
Comment: Has not been previously published as pathogenic or benign to our knowledge; In silico analysis supports that this missense variant has a deleterious effect on protein structure/function, but is inconclusive as to whether the variant alters gene splicing; in the absence of RNA/functional studies, the actual effect of this sequence change is unknown

Ambry Genetics
Classification: Uncertain significance for Inborn genetic diseases. Last evaluated: 2024-12-16. Review status: criteria provided, single submitter. Criteria: Ambry Variant Classification Scheme 2023. Collection method: clinical testing. Allele origin: germline.

Blueprint Genetics
Classification: Uncertain significance. Last evaluated: 2024-11-18. Review status: criteria provided, single submitter. Criteria: ACMG Guidelines, 2015. Collection method: clinical testing. Allele origin: germline.

Labcorp Genetics (formerly Invitae), Labcorp
Classification: Uncertain significance. Last evaluated: 2022-07-15. Review status: criteria provided, single submitter. Criteria: Invitae Variant Classification Sherloc (09022015). Collection method: clinical testing. Allele origin: germline.
Comment: This sequence change replaces threonine, which is neutral and polar, with isoleucine, which is neutral and non-polar, at codon 506 of the ITGA6 protein (p.Thr506Ile). This variant is present in population databases (rs139324320, gnomAD 0.02%). This variant has not been reported in the literature in individuals affected with ITGA6-related conditions. ClinVar contains an entry for this variant (Variation ID: 894197). Algorithms developed to predict the effect of missense changes on protein structure and function (SIFT, PolyPhen-2, Align-GVGD) all suggest that this variant is likely to be tolerated. Algorithms developed to predict the effect of sequence changes on RNA splicing suggest that this variant may disrupt the consensus splice site. In summary, the available evidence is currently insufficient to determine the role of this variant in disease. Therefore, it has been classified as a Variant of Uncertain Significance.

Fulgent Genetics
Classification: Uncertain significance for Epidermolysis bullosa, junctional 6, with pyloric atresia. Last evaluated: 2022-01-26. Review status: criteria provided, single submitter. Criteria: ACMG Guidelines, 2015. Collection method: clinical testing. Allele origin: unknown.

Baylor Genetics
Classification: Uncertain significance for Junctional epidermolysis bullosa with pyloric atresia. Last evaluated: 2019-11-26. Review status: criteria provided, single submitter. Criteria: ACMG Guidelines, 2015. Collection method: clinical testing. Allele origin: unknown. Affected: yes.
Comment: This variant was determined to be of uncertain significance according to ACMG Guidelines, 2015 [PMID:25741868].

Illumina Laboratory Services, Illumina
Classification: Uncertain significance for Junctional epidermolysis bullosa with pyloric atresia. Last evaluated: 2018-01-13. Review status: criteria provided, single submitter. Criteria: ICSL Variant Classification Criteria 13 December 2019. Collection method: clinical testing. Allele origin: germline.

Breakthrough Genomics
Classification: Uncertain significance. Review status: criteria provided, single submitter. Criteria: ACMG Guidelines, 2015. Collection method: not provided. Allele origin: germline. Inheritance: Autosomal recessive inheritance. Affected: yes.

NM_000210.4(ITGA6):c.1517C>T (p.Thr506Ile)

Genes: ITGA6 (integrin subunit alpha 6; plus strand), PDK1-AS1 (PDK1 and ITGA6 antisense RNA 1; minus strand). Cytogenetic location: 2q31.1.
Variant type: single nucleotide variant.
Coding change: c.1517C>T on transcript NM_000210.4 (MANE Select); coding-DNA position 1517, C replaced by T.
Protein change: p.Thr506Ile; replaces threonine 506 with isoleucine.
Molecular consequence: missense variant.
Genome position (GRCh38, 1-based): chr2:172,480,019, C>T. VCF-style: chr2-172480019-C-T. GRCh37 (hg19) VCF-style: chr2-173344747-C-T.
Other names: c.1517C>T, p.Thr506Ile (NM_001079818.3, NM_001365529.2, NM_001365530.2); c.1160C>T, p.Thr387Ile (NM_001316306.2); c.1517C>T (NM_001079818.1); short protein forms T387I, T506I.
Identifiers: ClinVar variation 894197 (VCV000894197.13), dbSNP rs139324320, ClinGen allele CA1968165.